The following is an entry in ClinVar:

ClinVar aggregate classification (germline): Pathogenic (1 of 4 stars; one submission).

Conditions:
Inborn genetic diseases. Identifiers: MedGen C0950123, MeSH D030342.

Allele frequency attached by ClinVar (database versions not stated): gnomAD exomes below 0.00001; gnomAD 0.00001; ExAC 0.00002; 1000 Genomes Project 30x 0.00016; 1000 Genomes Project 0.00020.

Submission:

Ambry Genetics
Classification: Pathogenic for Inborn genetic diseases. Last evaluated: 2021-06-06. Review status: criteria provided, single submitter. Criteria: Ambry Variant Classification Scheme 2023. Collection method: clinical testing. Allele origin: germline.
Comment: The c.568C>T (p.Q190*) alteration, located in exon 5 (coding exon 5) of the BCKDHA gene, consists of a C to T substitution at nucleotide position 568. This changes the amino acid from a glutamine (Q) to a stop codon at amino acid position 190. This alteration is expected to result in loss of function by premature protein truncation or nonsense-mediated mRNA decay. Based on data from the Genome Aggregation Database (gnomAD) database, the BCKDHA c.568C>T alteration was observed in <0.01% (2/251428) of total alleles studied, with a frequency of 0.01% (1/16254) in the African subpopulation. Based on the available evidence, this alteration is classified as pathogenic.

NM_000709.4(BCKDHA):c.568C>T (p.Gln190Ter)

Gene: BCKDHA (branched chain keto acid dehydrogenase E1 subunit alpha; plus strand). Cytogenetic location: 19q13.2.
Variant type: single nucleotide variant.
Coding change: c.568C>T on transcript NM_000709.4 (MANE Select); coding-DNA position 568, C replaced by T.
Protein change: p.Gln190Ter; replaces glutamine 190 with a stop codon.
Molecular consequence: nonsense.
Genome position (GRCh38, 1-based): chr19:41,419,218, C>T. VCF-style: chr19-41419218-C-T. GRCh37 (hg19) VCF-style: chr19-41925123-C-T.
Other names: c.568C>T, p.Gln190Ter (NM_001164783.2); short protein forms Q190*.
Identifiers: ClinVar variation 2230997 (VCV002230997.3), dbSNP rs201537906, ClinGen allele CA9461195.